The following is an entry in ClinVar:

ClinVar aggregate classification (germline): Uncertain significance (1 of 4 stars; one submission).

Conditions:
COG7 congenital disorder of glycosylation (CDG2E). Also called: CONGENITAL DISORDER OF GLYCOSYLATION, TYPE IIe; CDG IIe. Identifiers: Orphanet 79333, MedGen C2931010, MONDO:0012118, OMIM 608779.

Allele frequency attached by ClinVar (database versions not stated): TOPMed below 0.00001; ExAC 0.00001; gnomAD exomes 0.00001.

Submission:

Labcorp Genetics (formerly Invitae), Labcorp
Classification: Uncertain significance for COG7 congenital disorder of glycosylation. Last evaluated: 2025-10-27. Review status: criteria provided, single submitter. Criteria: Invitae Variant Classification Sherloc (09022015). Collection method: clinical testing. Allele origin: germline.
Comment: This sequence change replaces histidine, which is basic and polar, with tyrosine, which is neutral and polar, at codon 337 of the COG7 protein (p.His337Tyr). This variant is present in population databases (rs766070661, gnomAD 0.003%). This variant has not been reported in the literature in individuals affected with COG7-related conditions. ClinVar contains an entry for this variant (Variation ID: 2190924). An algorithm developed to predict the effect of missense changes on protein structure and function outputs the following: PolyPhen-2: "Benign". The tyrosine amino acid residue is found in multiple mammalian species, which suggests that this missense change does not adversely affect protein function. In summary, the available evidence is currently insufficient to determine the role of this variant in disease. Therefore, it has been classified as a Variant of Uncertain Significance.

NM_153603.4(COG7):c.1009C>T (p.His337Tyr)

Gene: COG7 (component of oligomeric golgi complex 7; minus strand). Cytogenetic location: 16p12.2.
Variant type: single nucleotide variant.
Coding change: c.1009C>T on transcript NM_153603.4 (MANE Select); coding-DNA position 1009, C replaced by T.
Protein change: p.His337Tyr; replaces histidine 337 with tyrosine.
Molecular consequence: missense variant.
Genome position (GRCh38, 1-based): chr16:23,424,749, G>A on the plus strand (C>T on the coding strand, the complement: COG7 is on the minus strand). VCF-style: chr16-23424749-G-A. GRCh37 (hg19) VCF-style: chr16-23436070-G-A.
Other names: short protein forms H337Y.
Identifiers: ClinVar variation 2190924 (VCV002190924.4), dbSNP rs766070661, ClinGen allele CA7961112.